The following is an entry in ClinVar:

ClinVar aggregate classification (germline): Uncertain significance. Review status: criteria provided, multiple submitters, no conflicts (2 of 4 stars). 3 submissions from 3 submitters: Uncertain significance (3). Last evaluated 2026-07-06.

Conditions:
Familial adenomatous polyposis 1 (FAP1). Also called: POLYPOSIS, ADENOMATOUS INTESTINAL; FAMILIAL ADENOMATOUS POLYPOSIS 1, ATTENUATED. Identifiers: MedGen C2713442, MONDO:0021056, OMIM 175100. Disease mechanism: loss of function.
Hereditary cancer-predisposing syndrome. Also called: Tumor predisposition; Hereditary Cancer Syndrome; Hereditary neoplastic syndrome; Neoplastic Syndromes, Hereditary. Identifiers: Orphanet 140162, MedGen C0027672, MeSH D009386, MONDO:0015356.

Allele frequency attached by ClinVar (database versions not stated): gnomAD exomes below 0.00001.
gnomAD v4.1: 1 of 1,614,176 alleles (0.000062%); highest among the groups gnomAD compares: South Asian, 0.0011%; no homozygotes.

Submissions (3):

Ambry Genetics
Classification: Uncertain significance for Hereditary cancer-predisposing syndrome. Last evaluated: 2026-07-06. Review status: criteria provided, single submitter. Criteria: Ambry Variant Classification Scheme 2023. Collection method: clinical testing. Allele origin: germline.
Comment: The p.E1521G variant (also known as c.4562A>G), located in coding exon 15 of the APC gene, results from an A to G substitution at nucleotide position 4562. The glutamic acid at codon 1521 is replaced by glycine, an amino acid with similar properties. This amino acid position is conserved. In addition, in silico predictors for this gene do not accurately predict pathogenicity. Based on the available evidence, the clinical significance of this variant remains unclear.

Labcorp Genetics (formerly Invitae), Labcorp
Classification: Uncertain significance for Familial adenomatous polyposis 1. Last evaluated: 2025-09-16. Review status: criteria provided, single submitter. Criteria: Invitae Variant Classification Sherloc (09022015). Collection method: clinical testing. Allele origin: germline.
Comment: This sequence change replaces glutamic acid, which is acidic and polar, with glycine, which is neutral and non-polar, at codon 1521 of the APC protein (p.Glu1521Gly). This variant is not present in population databases (gnomAD no frequency). This variant has not been reported in the literature in individuals affected with APC-related conditions. ClinVar contains an entry for this variant (Variation ID: 1002702). Invitae Evidence Modeling of protein sequence and biophysical properties (such as structural, functional, and spatial information, amino acid conservation, physicochemical variation, residue mobility, and thermodynamic stability) indicates that this missense variant is not expected to disrupt APC protein function with a negative predictive value of 95%. In summary, the available evidence is currently insufficient to determine the role of this variant in disease. Therefore, it has been classified as a Variant of Uncertain Significance.

Women's Health and Genetics/Laboratory Corporation of America, LabCorp
Classification: Uncertain significance. Last evaluated: 2023-07-27. Review status: criteria provided, single submitter. Criteria: LabCorp Variant Classification Summary - May 2015. Collection method: clinical testing. Allele origin: germline.

NM_000038.6(APC):c.4562A>G (p.Glu1521Gly)

Gene: APC (APC regulator of Wnt signaling pathway; plus strand). Cytogenetic location: 5q22.2.
Variant type: single nucleotide variant.
Coding change: c.4562A>G on transcript NM_000038.6 (MANE Select); coding-DNA position 4562, A replaced by G.
Protein change: p.Glu1521Gly; replaces glutamic acid 1521 with glycine.
Molecular consequence: missense variant.
Genome position (GRCh38, 1-based): chr5:112,840,156, A>G. VCF-style: chr5-112840156-A-G. GRCh37 (hg19) VCF-style: chr5-112175853-A-G.
Other names: c.4562A>G, p.Glu1521Gly (NM_001127510.3, NM_001354895.2); c.4508A>G, p.Glu1503Gly (NM_001127511.3); c.4616A>G, p.Glu1539Gly (NM_001354896.2); c.4592A>G, p.Glu1531Gly (NM_001354897.2); c.4487A>G, p.Glu1496Gly (NM_001354898.2); c.4478A>G, p.Glu1493Gly (NM_001354899.2); c.4439A>G, p.Glu1480Gly (NM_001354900.2); c.4385A>G, p.Glu1462Gly (NM_001354901.2); and 6 more; short protein forms E1238G, E1361G, E1395G, E1420G, E1430G, E1462G, E1480G, E1493G.
Identifiers: ClinVar variation 1002702 (VCV001002702.49), dbSNP rs1765709676, ClinGen allele CA16031319.